The following is an entry in ClinVar:

NM_000038.6(APC):c.1269G>A (p.Trp423Ter)

Gene: APC (APC regulator of Wnt signaling pathway; plus strand). Cytogenetic location: 5q22.2.
Variant type: single nucleotide variant.
Coding change: c.1269G>A on transcript NM_000038.6 (MANE Select); coding-DNA position 1269, G replaced by A.
Protein change: p.Trp423Ter; replaces tryptophan 423 with a stop codon.
Molecular consequence: nonsense. On other transcripts: non-coding transcript variant (2).
Genome position (GRCh38, 1-based): chr5:112,819,301, G>A. VCF-style: chr5-112819301-G-A. GRCh37 (hg19) VCF-style: chr5-112154998-G-A.
Other names: c.1269G>A, p.Trp423Ter (NM_001127510.3, NM_001354895.2, NM_001354896.2 and 4 more transcripts); c.1215G>A, p.Trp405Ter (NM_001127511.3); c.1299G>A, p.Trp433Ter (NM_001354897.2, NM_001407446.1); c.1194G>A, p.Trp398Ter (NM_001354898.2, NM_001407451.1); c.1185G>A, p.Trp395Ter (NM_001354899.2, NM_001407452.1); c.1092G>A, p.Trp364Ter (NM_001354900.2, NM_001354901.2, NM_001407453.1); c.996G>A, p.Trp332Ter (NM_001354902.2); c.966G>A, p.Trp322Ter (NM_001354903.2, NM_001407454.1, NM_001407455.1 and 5 more transcripts); and 6 more; short protein forms W140*, W263*, W294*, W297*, W322*, W332*, W364*, W39*.
Identifiers: ClinVar variation 2583881 (VCV002583881.5), dbSNP rs2149783521, ClinGen allele CA16024082.
Genomic context (GRCh38, chr5:112,819,301, plus strand): 5'-AATCCGAGTCCTTCATCTTTTGGAACAGATACGCGCTTACTGTGAAACCTGTTGGGAGTG[G>A]CAGGAAGCTCATGAACCAGGCATGGACCAGGACAAAAATCCAAGTATGTTCTCTATAGTG-3'

ClinVar aggregate classification (germline): Pathogenic. Review status: criteria provided, multiple submitters, no conflicts (2 of 4 stars). 4 submissions from 4 submitters: Pathogenic (4). Last evaluated 2025-10-11.

Conditions:
Familial adenomatous polyposis 1 (FAP1). Also called: FAMILIAL ADENOMATOUS POLYPOSIS 1, ATTENUATED; POLYPOSIS, ADENOMATOUS INTESTINAL. Identifiers: MedGen C2713442, MONDO:0021056, OMIM 175100. Disease mechanism: loss of function.
Hereditary cancer-predisposing syndrome. Also called: Hereditary neoplastic syndrome; Tumor predisposition; Hereditary Cancer Syndrome; Neoplastic Syndromes, Hereditary. Identifiers: Orphanet 140162, MedGen C0027672, MeSH D009386, MONDO:0015356.

Submissions (4):

Labcorp Genetics (formerly Invitae), Labcorp
Classification: Pathogenic for Familial adenomatous polyposis 1. Last evaluated: 2025-10-11. Review status: criteria provided, single submitter. Criteria: Invitae Variant Classification Sherloc (09022015). Collection method: clinical testing. Allele origin: germline.
Comment: This sequence change creates a premature translational stop signal (p.Trp423*) in the APC gene. It is expected to result in an absent or disrupted protein product. Loss-of-function variants in APC are known to be pathogenic (PMID: 17963004, 20685668). This variant is not present in population databases (gnomAD no frequency). This premature translational stop signal has been observed in individual(s) with familial adenomatous polyposis (PMID: 10077047). ClinVar contains an entry for this variant (Variation ID: 2583881). For these reasons, this variant has been classified as Pathogenic.

GeneDx
Classification: Pathogenic. Last evaluated: 2024-12-17. Review status: criteria provided, single submitter. Criteria: GeneDx Variant Classification Process June 2021. Collection method: clinical testing. Allele origin: germline. Affected: yes.
Comment: Nonsense variant predicted to result in protein truncation or nonsense mediated decay in a gene for which loss of function is a known mechanism of disease; Not observed at significant frequency in large population cohorts (gnomAD); This variant is associated with the following publications: (PMID: 25525159, 10077047)

Ambry Genetics
Classification: Pathogenic for Hereditary cancer-predisposing syndrome. Last evaluated: 2024-09-05. Review status: criteria provided, single submitter. Criteria: Ambry Variant Classification Scheme 2023. Collection method: clinical testing. Allele origin: germline.
Comment: The p.W423* pathogenic mutation (also known as c.1269G>A), located in coding exon 9 of the APC gene, results from a G to A substitution at nucleotide position 1269. This changes the amino acid from a tryptophan to a stop codon within coding exon 9. This variant has been observed in multiple individuals with a personal and/or family history that is consistent with familial adenomatous polyposis (Ambry internal data; Gebert JF et al. Ann Surg, 1999 Mar;229:350-61; Ripa R et al. Eur J Hum Genet, 2002 Oct;10:631-7; Bisgaard ML et al. Hum Mutat, 2004 May;23:522; Friedl W et al. Hered Cancer Clin Pract, 2005 Sep;3:95-114; Staninova-Stojovska M et al. Balkan J Med Genet, 2019 Dec;22:5-16). This variant is considered to be rare based on population cohorts in the Genome Aggregation Database (gnomAD). This alteration is expected to result in loss of function by premature protein truncation or nonsense-mediated mRNA decay. As such, this alteration is interpreted as a disease-causing mutation.

Myriad Genetics, Inc.
Classification: Pathogenic for Familial adenomatous polyposis 1. Last evaluated: 2023-05-01. Review status: criteria provided, single submitter. Criteria: Myriad Autosomal Dominant, Autosomal Recessive and X-Linked Classification Criteria (2023). Collection method: clinical testing. Allele origin: unknown.
Comment: This variant is considered pathogenic. This variant creates a termination codon and is predicted to result in premature protein truncation.

Literature cited by the submitters: PubMed 17963004 (cited by Labcorp Genetics (formerly Invitae), Labcorp); PubMed 20685668 (cited by Labcorp Genetics (formerly Invitae), Labcorp); PubMed 10077047 (cited by Labcorp Genetics (formerly Invitae), Labcorp and Ambry Genetics); PubMed 12357334 (cited by Ambry Genetics); PubMed 15108286 (cited by Ambry Genetics); PubMed 20223039 (cited by Ambry Genetics); PubMed 31942411 (cited by Ambry Genetics).